The following is an entry in ClinVar:

ClinVar aggregate classification (germline): Likely pathogenic (1 of 4 stars; one submission).

Submission:

Mayo Clinic Laboratories, Mayo Clinic
Classification: Likely pathogenic. Last evaluated: 2024-06-06. Review status: criteria provided, single submitter. Criteria: ACMG Guidelines, 2015. Collection method: clinical testing. Allele origin: germline. Observed: 1 variant allele.
Comment: PM2_moderate, PVS1

Literature cited by the submitters: PubMed 19422454.

NM_000129.4(F13A1):c.799-1G>A

Gene: F13A1 (coagulation factor XIII A chain; minus strand). Cytogenetic location: 6p25.1.
Variant type: single nucleotide variant.
Coding change: c.799-1G>A on transcript NM_000129.4 (MANE Select); the canonical splice acceptor site of the intron before coding-DNA position 799, G replaced by A.
Molecular consequence: splice acceptor variant.
Genome position (GRCh38, 1-based): chr6:6,224,861, C>T on the plus strand (G>A on the coding strand, the complement: F13A1 is on the minus strand). VCF-style: chr6-6224861-C-T. GRCh37 (hg19) VCF-style: chr6-6225094-C-T.
Other names: p.?.
Identifiers: ClinVar variation 3381000 (VCV003381000.1).